The following is an entry in ClinVar:

ClinVar aggregate classification (germline): Uncertain significance (1 of 4 stars; one submission).

Submission:

Labcorp Genetics (formerly Invitae), Labcorp
Classification: Uncertain significance. Last evaluated: 2024-01-01. Review status: criteria provided, single submitter. Criteria: Invitae Variant Classification Sherloc (09022015). Collection method: clinical testing. Allele origin: germline.
Comment: This sequence change replaces glycine, which is neutral and non-polar, with arginine, which is basic and polar, at codon 1174 of the COL4A1 protein (p.Gly1174Arg). This variant is not present in population databases (gnomAD no frequency). This variant has not been reported in the literature in individuals affected with COL4A1-related conditions. An algorithm developed to predict the effect of missense changes on protein structure and function (PolyPhen-2) suggests that this variant is likely to be disruptive. In summary, the available evidence is currently insufficient to determine the role of this variant in disease. Therefore, it has been classified as a Variant of Uncertain Significance.

NM_001845.6(COL4A1):c.3520G>A (p.Gly1174Arg)

Gene: COL4A1 (collagen type IV alpha 1 chain; minus strand). Cytogenetic location: 13q34.
Variant type: single nucleotide variant.
Coding change: c.3520G>A on transcript NM_001845.6 (MANE Select); coding-DNA position 3520, G replaced by A.
Protein change: p.Gly1174Arg; replaces glycine 1174 with arginine.
Molecular consequence: missense variant.
Genome position (GRCh38, 1-based): chr13:110,172,756, C>T on the plus strand (G>A on the coding strand, the complement: COL4A1 is on the minus strand). VCF-style: chr13-110172756-C-T. GRCh37 (hg19) VCF-style: chr13-110825103-C-T.
Other names: short protein forms G1174R.
Identifiers: ClinVar variation 2869218 (VCV002869218.3), dbSNP rs866355633, ClinGen allele CA256252866.